The following is an entry in ClinVar:

NM_201384.3(PLEC):c.2825A>T (p.Asp942Val)

Gene: PLEC (plectin; minus strand). Cytogenetic location: 8q24.3.
Variant type: single nucleotide variant.
Coding change: c.2825A>T on transcript NM_201384.3 (MANE Select); coding-DNA position 2825, A replaced by T.
Protein change: p.Asp942Val; replaces aspartic acid 942 with valine.
Molecular consequence: missense variant.
Genome position (GRCh38, 1-based): chr8:143,929,744, T>A on the plus strand (A>T on the coding strand, the complement: PLEC is on the minus strand). VCF-style: chr8-143929744-T-A. GRCh37 (hg19) VCF-style: chr8-145003912-T-A.
Other names: c.2906A>T, p.Asp969Val (NM_000445.5, NM_001410941.1); c.2783A>T, p.Asp928Val (NM_201378.4); c.2759A>T, p.Asp920Val (NM_201379.3); c.3236A>T, p.Asp1079Val (NM_201380.4); c.2729A>T, p.Asp910Val (NM_201381.3); c.2825A>T, p.Asp942Val (NM_201382.4); c.2837A>T, p.Asp946Val (NM_201383.3); short protein forms D910V, D920V, D969V, D1079V, D928V, D942V, D946V.
Identifiers: ClinVar variation 2945851 (VCV002945851.3), dbSNP rs1826547818, ClinGen allele CA372571181.

ClinVar aggregate classification (germline): Uncertain significance (1 of 4 stars; one submission).

Conditions:
Epidermolysis bullosa simplex with nail dystrophy (EBS5D). Identifiers: MedGen C4225309, MONDO:0014661, OMIM 616487.
Epidermolysis bullosa simplex, Ogna type (EBS5A). Also called: Pidermolysis bullosa simplex 5A, Ogna type; EPIDERMOLYSIS BULLOSA SIMPLEX 5A, OGNA TYPE. Identifiers: Orphanet 79401, MedGen C0432317, MONDO:0007555, OMIM 131950.
Autosomal recessive limb-girdle muscular dystrophy type 2Q (LGMDR17). Also called: MUSCULAR DYSTROPHY, LIMB-GIRDLE, AUTOSOMAL RECESSIVE 17. Identifiers: Orphanet 254361, MedGen C3150989, MONDO:0013390, OMIM 613723.
Epidermolysis bullosa simplex 5B, with muscular dystrophy (EBS5B). Also called: EPIDERMOLYSIS BULLOSA SIMPLEX AND LIMB-GIRDLE MUSCULAR DYSTROPHY; Epidermolysis bullosa simplex with muscular dystrophy. Identifiers: Orphanet 257, MedGen C2931072, MONDO:0009181, OMIM 226670.
Epidermolysis bullosa simplex 5C, with pyloric atresia (EBS5C). Also called: PLEC-Related Epidermolysis Bullosa with Pyloric Atresia; Epidermolysis bullosa simplex with pyloric atresia; PLEC1-Related Epidermolysis Bullosa with Pyloric Atresia. Identifiers: Orphanet 158684, MedGen C2677349, MONDO:0012807, OMIM 612138.

Submission:

Labcorp Genetics (formerly Invitae), Labcorp
Classification: Uncertain significance for Autosomal recessive limb-girdle muscular dystrophy type 2Q; Epidermolysis bullosa simplex, Ogna type; Epidermolysis bullosa simplex with nail dystrophy; Epidermolysis bullosa simplex 5C, with pyloric atresia; Epidermolysis bullosa simplex 5B, with muscular dystrophy. Last evaluated: 2023-10-13. Review status: criteria provided, single submitter. Criteria: Invitae Variant Classification Sherloc (09022015). Collection method: clinical testing. Allele origin: germline.
Comment: This sequence change replaces aspartic acid, which is acidic and polar, with valine, which is neutral and non-polar, at codon 969 of the PLEC protein (p.Asp969Val). This variant is not present in population databases (gnomAD no frequency). This variant has not been reported in the literature in individuals affected with PLEC-related conditions. Advanced modeling of protein sequence and biophysical properties (such as structural, functional, and spatial information, amino acid conservation, physicochemical variation, residue mobility, and thermodynamic stability) performed at Invitae indicates that this missense variant is not expected to disrupt PLEC protein function. In summary, the available evidence is currently insufficient to determine the role of this variant in disease. Therefore, it has been classified as a Variant of Uncertain Significance.